The following is an entry in ClinVar:

ClinVar aggregate classification (germline): Conflicting classifications of pathogenicity. Review status: criteria provided, conflicting classifications (1 of 4 stars). 5 submissions from 5 submitters: Pathogenic (1); Likely pathogenic (2); Uncertain significance (2). Last evaluated 2021-03-05.

Conditions:
ACTA2-related disorder. Also called: ACTA2-related disorders; ACTA2-related condition.
Cardiovascular phenotype. Identifiers: MedGen CN230736.
Familial thoracic aortic aneurysm and aortic dissection (TAAD). Also called: Thoracic aortic aneurysms and dissections. Identifiers: Orphanet 91387, MedGen C4707243, MONDO:0019625.
Aortic aneurysm, familial thoracic 6 (AAT6). Also called: FAMILIAL THORACIC AORTIC ANEURYSM WITH LIVEDO RETICULARIS AND IRIS FLOCCULI. Identifiers: MedGen C2673186, MONDO:0012730, OMIM 611788.

Submissions (5):

Molecular Diagnostic Laboratory for Inherited Cardiovascular Disease, Montreal Heart Institute
Classification: Pathogenic for Cardiovascular phenotype. Last evaluated: 2021-03-05. Review status: criteria provided, single submitter. Criteria: ACMG Guidelines, 2015. Collection method: clinical testing. Allele origin: germline. Affected: yes.

Blueprint Genetics
Classification: Likely pathogenic for ACTA2-related disorders. Last evaluated: 2020-06-30. Review status: criteria provided, single submitter. Criteria: ACMG Guidelines, 2015. Collection method: clinical testing. Allele origin: germline. Affected: yes. Observed: 3 variant alleles.

CHEO Genetics Diagnostic Laboratory, Children's Hospital of Eastern Ontario
Classification: Uncertain significance for Familial thoracic aortic aneurysm and aortic dissection. Last evaluated: 2020-04-20. Review status: criteria provided, single submitter. Criteria: ACMG Guidelines, 2015. Collection method: clinical testing. Allele origin: germline.

Labcorp Genetics (formerly Invitae), Labcorp
Classification: Uncertain significance for Aortic aneurysm, familial thoracic 6. Last evaluated: 2019-06-17. Review status: criteria provided, single submitter. Criteria: Invitae Variant Classification Sherloc (09022015). Collection method: clinical testing. Allele origin: germline.
Comment: In summary, the available evidence is currently insufficient to determine the role of this variant in disease. Therefore, it has been classified as a Variant of Uncertain Significance. Algorithms developed to predict the effect of missense changes on protein structure and function (SIFT, PolyPhen-2, Align-GVGD) all suggest that this variant is likely to be disruptive, but these predictions have not been confirmed by published functional studies and their clinical significance is uncertain. This variant has been observed in a family affected with thoracic aortic aneurysm and dissection (Invitae). ClinVar contains an entry for this variant (Variation ID: 162701). This variant is not present in population databases (ExAC no frequency). This sequence change replaces lysine with asparagine at codon 240 of the ACTA2 protein (p.Lys240Asn). The lysine residue is highly conserved and there is a moderate physicochemical difference between lysine and asparagine.

Laboratory for Molecular Medicine, Mass General Brigham Personalized Medicine
Classification: Likely pathogenic for Familial thoracic aortic aneurysm and aortic dissection. Last evaluated: 2017-09-20. Review status: criteria provided, single submitter. Criteria: LMM Criteria. Collection method: clinical testing. Allele origin: germline. Inheritance: Autosomal dominant inheritance. Observed: 2 variant alleles.
Comment: It was absent from large populatio n studies. Computational prediction tools and conservation analysis suggest that this variant may impact the protein, though this information is not predictive enough to determine pathogenicity. In summary, although additional studies are r equired to fully establish its clinical significance, the p.Lys240Asn variant is likely pathogenic.

NM_001613.4(ACTA2):c.720G>C (p.Lys240Asn)

Genes: ACTA2 (actin alpha 2, smooth muscle; minus strand), ACTA2-AS1 (ACTA2 antisense RNA 1; plus strand). Cytogenetic location: 10q23.31.
Variant type: single nucleotide variant.
Coding change: c.720G>C on transcript NM_001613.4 (MANE Select); coding-DNA position 720, G replaced by C.
Protein change: p.Lys240Asn; replaces lysine 240 with asparagine.
Molecular consequence: missense variant. On other transcripts: non-coding transcript variant (1).
Genome position (GRCh38, 1-based): chr10:88,939,595, C>G on the plus strand (G>C on the coding strand, the complement: ACTA2 is on the minus strand). VCF-style: chr10-88939595-C-G. GRCh37 (hg19) VCF-style: chr10-90699352-C-G.
Other names: c.720G>C, p.Lys240Asn (NM_001141945.3, NM_001320855.2, NM_001406462.1 and 2 more transcripts); c.609G>C, p.Lys203Asn (NM_001406466.1); c.591G>C, p.Lys197Asn (NM_001406467.1, NM_001406468.1, NM_001406469.1); short protein forms K240N, K197N, K203N.
Identifiers: ClinVar variation 162701 (VCV000162701.23), dbSNP rs727502878, ClinGen allele CA007003.